The following is an entry in ClinVar:

NM_001105206.3(LAMA4):c.373G>A (p.Ala125Thr)

Gene: LAMA4 (laminin subunit alpha 4; minus strand). Cytogenetic location: 6q21.
Variant type: single nucleotide variant.
Coding change: c.373G>A on transcript NM_001105206.3 (MANE Select); coding-DNA position 373, G replaced by A.
Protein change: p.Ala125Thr; replaces alanine 125 with threonine.
Molecular consequence: missense variant.
Genome position (GRCh38, 1-based): chr6:112,207,070, C>T on the plus strand (G>A on the coding strand, the complement: LAMA4 is on the minus strand). VCF-style: chr6-112207070-C-T. GRCh37 (hg19) VCF-style: chr6-112528271-C-T.
Other names: c.373G>A, p.Ala125Thr (NM_001105207.3, NM_002290.5); c.373G>A (NM_002290.3); short protein forms A125T.
Identifiers: ClinVar variation 1447986 (VCV001447986.7), dbSNP rs529185662, ClinGen allele CA365380960.
Genomic context (GRCh38, chr6:112,207,070, plus strand): 5'-TTAGGACTTACTTGGCCAAGTGGGGCAGGGGACAGGGGCACGGCTGGCAGAATTGGGGTG[C>T]TCCCCTGATGGAATCTCCGATATAACCATCCAGACACTTTTCACAGTGCTCTCCTGTTGT-3'
Protein context (NP_001098676.2, residues 115-135): DGYIGDSIRG[Ala125Thr]PQFCQPCPCP

ClinVar aggregate classification (germline): Uncertain significance. Review status: criteria provided, multiple submitters, no conflicts (2 of 4 stars). 2 submissions from 2 submitters: Uncertain significance (2). Last evaluated 2025-06-16.

Conditions:
Dilated cardiomyopathy 1JJ (CMD1JJ). Identifiers: Orphanet 154, MedGen C3808935, MONDO:0014095, OMIM 615235.
Cardiovascular phenotype. Identifiers: MedGen CN230736.

Submissions (2):

Ambry Genetics
Classification: Uncertain significance for Cardiovascular phenotype. Last evaluated: 2025-06-16. Review status: criteria provided, single submitter. Criteria: Ambry Variant Classification Scheme 2023. Collection method: clinical testing. Allele origin: germline.
Comment: The p.A125T variant (also known as c.373G>A), located in coding exon 3 of the LAMA4 gene, results from a G to A substitution at nucleotide position 373. The alanine at codon 125 is replaced by threonine, an amino acid with similar properties. This amino acid position is conserved. In addition, this alteration is predicted to be tolerated by in silico analysis. Based on the available evidence, the clinical significance of this variant remains unclear.

Labcorp Genetics (formerly Invitae), Labcorp
Classification: Uncertain significance for Dilated cardiomyopathy 1JJ. Last evaluated: 2025-02-12. Review status: criteria provided, single submitter. Criteria: Invitae Variant Classification Sherloc (09022015). Collection method: clinical testing. Allele origin: germline.
Comment: This sequence change replaces alanine, which is neutral and non-polar, with threonine, which is neutral and polar, at codon 125 of the LAMA4 protein (p.Ala125Thr). This variant is present in population databases (no rsID available, gnomAD 0.003%). This variant has not been reported in the literature in individuals affected with LAMA4-related conditions. ClinVar contains an entry for this variant (Variation ID: 1447986). An algorithm developed to predict the effect of missense changes on protein structure and function outputs the following: PolyPhen-2: "Benign". The threonine amino acid residue is found in multiple mammalian species, which suggests that this missense change does not adversely affect protein function. In summary, the available evidence is currently insufficient to determine the role of this variant in disease. Therefore, it has been classified as a Variant of Uncertain Significance.